The following is an entry in ClinVar:

ClinVar aggregate classification (germline): Uncertain significance. Review status: criteria provided, multiple submitters, no conflicts (2 of 4 stars). 3 submissions from 3 submitters: Uncertain significance (3). Last evaluated 2024-10-17.

Conditions:
Cenani-Lenz syndactyly syndrome. Also called: SYNDACTYLY, TYPE VII; CENANI SYNDACTYLISM. Identifiers: Orphanet 3258, MedGen C1859309, MONDO:0008931, OMIM 212780.
Sclerosteosis 2 (SOST2). Identifiers: Orphanet 3152, MedGen C3280402, MONDO:0013679, OMIM 614305.
Congenital myasthenic syndrome 17. Identifiers: Orphanet 590, MedGen C4225377, MONDO:0014578, OMIM 616304.

gnomAD v4.1: 41 of 1,614,162 alleles (0.0025%); highest among the groups gnomAD compares: South Asian, 0.038%; no homozygotes.

Submissions (3):

Labcorp Genetics (formerly Invitae), Labcorp
Classification: Uncertain significance for Cenani-Lenz syndactyly syndrome; Sclerosteosis 2; Congenital myasthenic syndrome 17. Last evaluated: 2024-10-17. Review status: criteria provided, single submitter. Criteria: Invitae Variant Classification Sherloc (09022015). Collection method: clinical testing. Allele origin: germline.
Comment: This sequence change replaces proline, which is neutral and non-polar, with serine, which is neutral and polar, at codon 1382 of the LRP4 protein (p.Pro1382Ser). This variant is present in population databases (rs765240067, gnomAD 0.04%). This variant has not been reported in the literature in individuals affected with LRP4-related conditions. ClinVar contains an entry for this variant (Variation ID: 573237). Invitae Evidence Modeling of protein sequence and biophysical properties (such as structural, functional, and spatial information, amino acid conservation, physicochemical variation, residue mobility, and thermodynamic stability) indicates that this missense variant is not expected to disrupt LRP4 protein function with a negative predictive value of 80%. In summary, the available evidence is currently insufficient to determine the role of this variant in disease. Therefore, it has been classified as a Variant of Uncertain Significance.

Fulgent Genetics
Classification: Uncertain significance for Cenani-Lenz syndactyly syndrome; Sclerosteosis 2; Congenital myasthenic syndrome 17. Last evaluated: 2021-12-15. Review status: criteria provided, single submitter. Criteria: ACMG Guidelines, 2015. Collection method: clinical testing. Allele origin: unknown.

Revvity Omics, Revvity
Classification: Uncertain significance. Last evaluated: 2019-01-10. Review status: criteria provided, single submitter. Criteria: ACMG Guidelines, 2015. Collection method: clinical testing. Allele origin: germline.

NM_002334.4(LRP4):c.4144C>T (p.Pro1382Ser)

Gene: LRP4 (LDL receptor related protein 4; minus strand). Cytogenetic location: 11p11.2.
Variant type: single nucleotide variant.
Coding change: c.4144C>T on transcript NM_002334.4 (MANE Select); coding-DNA position 4144, C replaced by T.
Protein change: p.Pro1382Ser; replaces proline 1382 with serine.
Molecular consequence: missense variant.
Genome position (GRCh38, 1-based): chr11:46,874,885, G>A on the plus strand (C>T on the coding strand, the complement: LRP4 is on the minus strand). VCF-style: chr11-46874885-G-A. GRCh37 (hg19) VCF-style: chr11-46896436-G-A.
Other names: short protein forms P1382S.
Identifiers: ClinVar variation 573237 (VCV000573237.9), dbSNP rs765240067, ClinGen allele CA5969403.